The following is an entry in ClinVar:

NM_001042702.5(PJVK):c.614C>A (p.Thr205Lys)

Gene: PJVK (pejvakin; plus strand). Cytogenetic location: 2q31.2.
Variant type: single nucleotide variant.
Coding change: c.614C>A on transcript NM_001042702.5 (MANE Select); coding-DNA position 614, C replaced by A.
Protein change: p.Thr205Lys; replaces threonine 205 with lysine.
Molecular consequence: missense variant.
Genome position (GRCh38, 1-based): chr2:178,458,574, C>A. VCF-style: chr2-178458574-C-A. GRCh37 (hg19) VCF-style: chr2-179323301-C-A.
Other names: c.623C>A, p.Thr208Lys (NM_001353775.2); c.719C>A, p.Thr240Lys (NM_001353776.2); c.137C>A, p.Thr46Lys (NM_001353777.1, NM_001353778.2); c.614C>A, p.Thr205Lys (NM_001369912.1); short protein forms T205K, T208K, T240K, T46K.
Identifiers: ClinVar variation 1195867 (VCV001195867.6), dbSNP rs1170864365, ClinGen allele CA349400396.

ClinVar aggregate classification (germline): Uncertain significance. Review status: criteria provided, multiple submitters, no conflicts (2 of 4 stars). 3 submissions from 3 submitters: Uncertain significance (3). Last evaluated 2025-07-15.

Conditions:
Inborn genetic diseases. Identifiers: MedGen C0950123, MeSH D030342.

Allele frequency attached by ClinVar (database versions not stated): gnomAD exomes below 0.00001.
gnomAD v4.1: 2 of 1,614,138 alleles (0.00012%); highest among the groups gnomAD compares: Admixed American, 0.0033%; no homozygotes.

Submissions (3):

Ambry Genetics
Classification: Uncertain significance for Inborn genetic diseases. Last evaluated: 2025-07-15. Review status: criteria provided, single submitter. Criteria: Ambry Variant Classification Scheme 2023. Collection method: clinical testing. Allele origin: germline.

GeneDx
Classification: Uncertain significance. Last evaluated: 2022-06-07. Review status: criteria provided, single submitter. Criteria: GeneDx Variant Classification Process June 2021. Collection method: clinical testing. Allele origin: germline. Affected: yes.
Comment: Not observed at a significant frequency in large population cohorts (gnomAD); In silico analysis supports that this missense variant has a deleterious effect on protein structure/function; Has not been previously published as pathogenic or benign to our knowledge

Blueprint Genetics
Classification: Uncertain significance. Last evaluated: 2018-10-11. Review status: criteria provided, single submitter. Criteria: ACMG Guidelines, 2015. Collection method: clinical testing. Allele origin: germline.